The following is an entry in ClinVar:

ClinVar aggregate classification (germline): Uncertain significance (1 of 4 stars; one submission).

Allele frequency attached by ClinVar (database versions not stated): gnomAD exomes below 0.00001.
gnomAD v4.1: 1 of 1,534,390 alleles (0.000065%); no homozygotes.

Submission:

Labcorp Genetics (formerly Invitae), Labcorp
Classification: Uncertain significance. Last evaluated: 2022-03-06. Review status: criteria provided, single submitter. Criteria: Invitae Variant Classification Sherloc (09022015). Collection method: clinical testing. Allele origin: germline.
Comment: This sequence change replaces threonine, which is neutral and polar, with isoleucine, which is neutral and non-polar, at codon 864 of the PDZD7 protein (p.Thr864Ile). This variant is not present in population databases (gnomAD no frequency). This variant has not been reported in the literature in individuals affected with PDZD7-related conditions. Algorithms developed to predict the effect of missense changes on protein structure and function are either unavailable or do not agree on the potential impact of this missense change (SIFT: "Tolerated"; PolyPhen-2: "Not Available"; Align-GVGD: "Class C0"). In summary, the available evidence is currently insufficient to determine the role of this variant in disease. Therefore, it has been classified as a Variant of Uncertain Significance.

NM_001195263.2(PDZD7):c.2591C>T (p.Thr864Ile)

Gene: PDZD7 (PDZ domain containing 7; minus strand). Cytogenetic location: 10q24.31.
Variant type: single nucleotide variant.
Coding change: c.2591C>T on transcript NM_001195263.2 (MANE Select); coding-DNA position 2591, C replaced by T.
Protein change: p.Thr864Ile; replaces threonine 864 with isoleucine.
Molecular consequence: missense variant.
Genome position (GRCh38, 1-based): chr10:101,010,298, G>A on the plus strand (C>T on the coding strand, the complement: PDZD7 is on the minus strand). VCF-style: chr10-101010298-G-A. GRCh37 (hg19) VCF-style: chr10-102770055-G-A.
Other names: short protein forms T864I.
Identifiers: ClinVar variation 2107328 (VCV002107328.4), dbSNP rs2492779186, ClinGen allele CA378223790.